The following is an entry in ClinVar:

ClinVar aggregate classification (germline): Uncertain significance (1 of 4 stars; one submission).

Conditions:
Hereditary sensory and autonomic neuropathy type 6. Also called: HSAN VI; Neuropathy, hereditary sensory and autonomic, type VI. Identifiers: Orphanet 314381, MedGen C3539003, MONDO:0013839, OMIM 614653.
Epidermolysis bullosa simplex 3, localized or generalized intermediate, with BP230 deficiency (EBS3). Also called: Epidermolysis bullosa simplex due to BP230 deficiency; Epidermolysis bullosa simplex, autosomal recessive 2. Identifiers: Orphanet 412181, MedGen C3809470, MONDO:0014180, OMIM 615425.

Allele frequency attached by ClinVar (database versions not stated): TOPMed below 0.00001; gnomAD 0.00001.
gnomAD v4.1: 1 of 1,609,632 alleles (0.000062%); highest among the groups gnomAD compares: Non-Finnish European, 0.000085%; no homozygotes.

Submission:

Labcorp Genetics (formerly Invitae), Labcorp
Classification: Uncertain significance for Epidermolysis bullosa simplex 3, localized or generalized intermediate, with BP230 deficiency; Hereditary sensory and autonomic neuropathy type 6. Last evaluated: 2023-08-29. Review status: criteria provided, single submitter. Criteria: Invitae Variant Classification Sherloc (09022015). Collection method: clinical testing. Allele origin: germline.
Comment: In summary, the available evidence is currently insufficient to determine the role of this variant in disease. Therefore, it has been classified as a Variant of Uncertain Significance. An algorithm developed to predict the effect of missense changes on protein structure and function (PolyPhen-2) suggests that this variant is likely to be disruptive. This variant has not been reported in the literature in individuals affected with DST-related conditions. This variant is not present in population databases (gnomAD no frequency). This sequence change replaces arginine, which is basic and polar, with glycine, which is neutral and non-polar, at codon 91 of the DST protein (p.Arg91Gly).

NM_001374736.1(DST):c.1882A>G (p.Arg628Gly)

Gene: DST (dystonin; minus strand). Cytogenetic location: 6p12.1.
Variant type: single nucleotide variant.
Coding change: c.1882A>G on transcript NM_001374736.1 (MANE Select); coding-DNA position 1882, A replaced by G.
Protein change: p.Arg628Gly; replaces arginine 628 with glycine.
Molecular consequence: missense variant.
Genome position (GRCh38, 1-based): chr6:56,642,092, T>C on the plus strand (A>G on the coding strand, the complement: DST is on the minus strand). VCF-style: chr6-56642092-T-C. GRCh37 (hg19) VCF-style: chr6-56506890-T-C.
Other names: c.1783A>G, p.Arg595Gly (NM_001144769.5); c.1369A>G, p.Arg457Gly (NM_001144770.2); c.1882A>G, p.Arg628Gly (NM_001374722.1); c.1249A>G, p.Arg417Gly (NM_001374729.1, NM_001374730.1, NM_001386100.1 and 1 more transcripts); c.1909A>G, p.Arg637Gly (NM_001374734.1); c.271A>G, p.Arg91Gly (NM_001723.7, NM_015548.5); short protein forms R595G, R417G, R457G, R628G, R637G, R91G.
Identifiers: ClinVar variation 2940491 (VCV002940491.3), dbSNP rs1159719185, ClinGen allele CA364615133.